The following is an entry in ClinVar:

NM_001136472.2(LITAF):c.20A>G (p.Tyr7Cys)

Gene: LITAF (lipopolysaccharide induced TNF factor; minus strand). Cytogenetic location: 16p13.13.
Variant type: single nucleotide variant.
Coding change: c.20A>G on transcript NM_001136472.2 (MANE Select); coding-DNA position 20, A replaced by G.
Protein change: p.Tyr7Cys; replaces tyrosine 7 with cysteine.
Molecular consequence: missense variant. On other transcripts: non-coding transcript variant (1).
Genome position (GRCh38, 1-based): chr16:11,556,711, T>C on the plus strand (A>G on the coding strand, the complement: LITAF is on the minus strand). VCF-style: chr16-11556711-T-C. GRCh37 (hg19) VCF-style: chr16-11650567-T-C.
Other names: c.20A>G, p.Tyr7Cys (NM_001136473.1, NM_004862.4); short protein forms Y7C.
Identifiers: ClinVar variation 3360864 (VCV003360864.1).

ClinVar aggregate classification (germline): Uncertain significance (1 of 4 stars; one submission).

gnomAD v4.1: 7 of 1,614,180 alleles (0.00043%); highest among the groups gnomAD compares: Non-Finnish European, 0.00059%; no homozygotes.

Submission:

GeneDx
Classification: Uncertain significance. Last evaluated: 2023-07-07. Review status: criteria provided, single submitter. Criteria: GeneDx Variant Classification Process June 2021. Collection method: clinical testing. Allele origin: germline. Affected: yes.
Comment: Not observed at significant frequency in large population cohorts (gnomAD); In silico analysis supports that this missense variant does not alter protein structure/function; Has not been previously published as pathogenic or benign to our knowledge